The following is an entry in ClinVar:

ClinVar aggregate classification (germline): Conflicting classifications of pathogenicity. Review status: criteria provided, conflicting classifications (1 of 4 stars). 4 submissions from 4 submitters: Uncertain significance (3); Likely benign (1). Last evaluated 2024-12-20.

Conditions:
Hereditary cancer-predisposing syndrome. Also called: Tumor predisposition; Hereditary Cancer Syndrome; Neoplastic Syndromes, Hereditary; Hereditary neoplastic syndrome. Identifiers: Orphanet 140162, MedGen C0027672, MeSH D009386, MONDO:0015356.
Familial cancer of breast. Also called: Hereditary breast cancer; hereditary breast carcinoma; BREAST CANCER, FAMILIAL. Identifiers: Orphanet 227535, MedGen C0346153, MONDO:0016419, OMIM 114480. Disease mechanism: loss of function.
Ataxia-telangiectasia syndrome (AT). Also called: Cerebello-oculocutaneous telangiectasia; Immunodeficiency with ataxia telangiectasia; Ataxia-telangiectasia, complementation group D; AT, COMPLEMENTATION GROUP C; Ataxia-telangiectasia, complementation group E; LOUIS-BAR SYNDROME. Identifiers: Orphanet 100, MedGen C0004135, MONDO:0008840, OMIM 208900.

Allele frequency attached by ClinVar (database versions not stated): ExAC 0.00001; gnomAD 0.00001; gnomAD exomes 0.00001; 1000 Genomes Project 30x 0.00016; 1000 Genomes Project 0.00020.
gnomAD v4.1: 7 of 1,609,904 alleles (0.00043%); highest among the groups gnomAD compares: South Asian, 0.0011%; no homozygotes.

Submissions (4):

Ambry Genetics
Classification: Likely benign for Hereditary cancer-predisposing syndrome. Last evaluated: 2024-12-20. Review status: criteria provided, single submitter. Criteria: Ambry Variant Classification Scheme 2023. Collection method: clinical testing. Allele origin: germline.

Labcorp Genetics (formerly Invitae), Labcorp
Classification: Uncertain significance for Ataxia-telangiectasia syndrome. Last evaluated: 2024-10-28. Review status: criteria provided, single submitter. Criteria: Invitae Variant Classification Sherloc (09022015). Collection method: clinical testing. Allele origin: germline.
Comment: This sequence change replaces isoleucine, which is neutral and non-polar, with valine, which is neutral and non-polar, at codon 1422 of the ATM protein (p.Ile1422Val). This variant is present in population databases (rs562445932, gnomAD 0.003%). This variant has not been reported in the literature in individuals affected with ATM-related conditions. ClinVar contains an entry for this variant (Variation ID: 453510). Invitae Evidence Modeling of protein sequence and biophysical properties (such as structural, functional, and spatial information, amino acid conservation, physicochemical variation, residue mobility, and thermodynamic stability) indicates that this missense variant is not expected to disrupt ATM protein function with a negative predictive value of 95%. In summary, the available evidence is currently insufficient to determine the role of this variant in disease. Therefore, it has been classified as a Variant of Uncertain Significance.

Color Diagnostics, LLC DBA Color Health
Classification: Uncertain significance for Hereditary cancer-predisposing syndrome. Last evaluated: 2023-12-05. Review status: criteria provided, single submitter. Criteria: ACMG Guidelines, 2015. Collection method: clinical testing. Allele origin: germline.
Comment: This missense variant replaces isoleucine with valine at codon 1422 of the ATM protein. Computational prediction suggests that this variant may not impact protein structure and function (internally defined REVEL score threshold <= 0.5, PMID: 27666373). To our knowledge, functional studies have not been reported for this variant. This variant has not been reported in individuals affected with ATM-related disorders in the literature. This variant has not been identified in the general population by the Genome Aggregation Database (gnomAD). The available evidence is insufficient to determine the role of this variant in disease conclusively. Therefore, this variant is classified as a Variant of Uncertain Significance.

Baylor Genetics
Classification: Uncertain significance for Familial cancer of breast. Last evaluated: 2023-05-26. Review status: criteria provided, single submitter. Criteria: ACMG Guidelines, 2015. Collection method: clinical testing. Allele origin: unknown.

NM_000051.4(ATM):c.4264A>G (p.Ile1422Val)

Gene: ATM (ATM serine/threonine kinase; plus strand). Cytogenetic location: 11q22.3.
Variant type: single nucleotide variant.
Coding change: c.4264A>G on transcript NM_000051.4 (MANE Select); coding-DNA position 4264, A replaced by G.
Protein change: p.Ile1422Val; replaces isoleucine 1422 with valine.
Molecular consequence: missense variant.
Genome position (GRCh38, 1-based): chr11:108,289,629, A>G. VCF-style: chr11-108289629-A-G. GRCh37 (hg19) VCF-style: chr11-108160356-A-G.
Other names: c.4264A>G, p.Ile1422Val (NM_001351834.2); short protein forms I1422V.
Identifiers: ClinVar variation 453510 (VCV000453510.19), dbSNP rs562445932, ClinGen allele CA6265430.